The following is an entry in ClinVar:

ClinVar aggregate classification (germline): Uncertain significance (1 of 4 stars; one submission).

Conditions:
Intellectual developmental disorder with dysmorphic facies and ptosis (IDDDFP). Identifiers: Orphanet 698090, MedGen C4310617, MONDO:0015022, OMIM 617333.

Submission:

Laboratorio de Genetica e Diagnostico Molecular, Hospital Israelita Albert Einstein
Classification: Uncertain significance for Intellectual developmental disorder with dysmorphic facies and ptosis. Last evaluated: 2024-10-21. Review status: criteria provided, single submitter. Criteria: ACMG Guidelines, 2015. Collection method: clinical testing. Allele origin: germline. Affected: yes.
Comment: ACMG classification criteria: PM2 supporting, PP2 supporting, BP4 supporting

NM_001003694.2(BRPF1):c.427G>C (p.Ala143Pro)

Gene: BRPF1 (bromodomain and PHD finger containing 1; plus strand). Cytogenetic location: 3p25.3.
Variant type: single nucleotide variant.
Coding change: c.427G>C on transcript NM_001003694.2 (MANE Select); coding-DNA position 427, G replaced by C.
Protein change: p.Ala143Pro; replaces alanine 143 with proline.
Molecular consequence: missense variant. On other transcripts: non-coding transcript variant (1).
Genome position (GRCh38, 1-based): chr3:9,734,567, G>C. VCF-style: chr3-9734567-G-C. GRCh37 (hg19) VCF-style: chr3-9776251-G-C.
Other names: c.427G>C, p.Ala143Pro (NM_001319049.2, NM_001319050.2, NM_001410704.1 and 1 more transcripts); short protein forms A143P.
Identifiers: ClinVar variation 3901989 (VCV003901989.1).